The following is an entry in ClinVar:

ClinVar aggregate classification (germline): Likely pathogenic (1 of 4 stars; one submission).

Conditions:
Dilated cardiomyopathy 1G (CMD1G). Identifiers: Orphanet 154, MedGen C1858763, MONDO:0011400, OMIM 604145.
Autosomal recessive limb-girdle muscular dystrophy type 2J (LGMDR10). Also called: Limb-girdle muscular dystrophy, type 2J; MUSCULAR DYSTROPHY, LIMB-GIRDLE, AUTOSOMAL RECESSIVE 10. Identifiers: Orphanet 140922, MedGen C1837342, MONDO:0012127, OMIM 608807.

gnomAD v4.1: 1 of 1,613,676 alleles (0.000062%); highest among the groups gnomAD compares: Non-Finnish European, 0.000085%; no homozygotes.

Submission:

Labcorp Genetics (formerly Invitae), Labcorp
Classification: Likely pathogenic for Dilated cardiomyopathy 1G; Autosomal recessive limb-girdle muscular dystrophy type 2J. Last evaluated: 2025-04-17. Review status: criteria provided, single submitter. Criteria: Invitae Variant Classification Sherloc (09022015). Collection method: clinical testing. Allele origin: germline.
Comment: This sequence change creates a premature translational stop signal (p.Glu32935*) in the TTN gene. While this is not anticipated to result in nonsense mediated decay, it is expected to create a truncated TTN protein. This variant is not present in population databases (gnomAD no frequency). This variant has not been reported in the literature in individuals affected with TTN-related conditions. ClinVar contains an entry for this variant (Variation ID: 1066392). This variant is located in the A band of TTN (PMID: 25589632). Truncating variants in this region are significantly overrepresented in patients affected with dilated cardiomyopathy (PMID: 25589632). Truncating variants in this region have also been reported in individuals affected with autosomal recessive centronuclear myopathy (PMID: 23975875). In summary, the currently available evidence indicates that the variant is pathogenic, but additional data are needed to prove that conclusively. Therefore, this variant has been classified as Likely Pathogenic.

Literature cited by the submitters: PubMed 25589632; PubMed 23975875.

NM_001267550.2(TTN):c.98803G>T (p.Glu32935Ter)

Genes: TTN (titin; minus strand), TTN-AS1 (TTN antisense RNA 1; plus strand). Cytogenetic location: 2q31.2.
Variant type: single nucleotide variant.
Coding change: c.98803G>T on transcript NM_001267550.2 (MANE Select); coding-DNA position 98803, G replaced by T.
Protein change: p.Glu32935Ter; replaces glutamic acid 32935 with a stop codon.
Molecular consequence: nonsense. On other transcripts: non-coding transcript variant (1).
Genome position (GRCh38, 1-based): chr2:178,539,132, C>A on the plus strand (G>T on the coding strand, the complement: TTN is on the minus strand). VCF-style: chr2-178539132-C-A. GRCh37 (hg19) VCF-style: chr2-179403859-C-A.
Other names: c.93880G>T, p.Glu31294Ter (NM_001256850.1); c.71608G>T, p.Glu23870Ter (NM_003319.4); c.91099G>T, p.Glu30367Ter (NM_133378.4); c.71983G>T, p.Glu23995Ter (NM_133432.3); c.72184G>T, p.Glu24062Ter (NM_133437.4); short protein forms E23870*, E23995*, E24062*, E30367*, E31294*, E32935*.
Identifiers: ClinVar variation 1066392 (VCV001066392.12), dbSNP rs1407053984, ClinGen allele CA349431604.